The following is an entry in ClinVar:

NM_017617.5(NOTCH1):c.4235A>G (p.Tyr1412Cys)

Gene: NOTCH1 (notch receptor 1; minus strand). Cytogenetic location: 9q34.3.
Variant type: single nucleotide variant.
Coding change: c.4235A>G on transcript NM_017617.5 (MANE Select); coding-DNA position 4235, A replaced by G.
Protein change: p.Tyr1412Cys; replaces tyrosine 1412 with cysteine.
Molecular consequence: missense variant.
Genome position (GRCh38, 1-based): chr9:136,505,661, T>C on the plus strand (A>G on the coding strand, the complement: NOTCH1 is on the minus strand). VCF-style: chr9-136505661-T-C. GRCh37 (hg19) VCF-style: chr9-139400113-T-C.
Other names: short protein forms Y1412C.
Identifiers: ClinVar variation 1524688 (VCV001524688.6), dbSNP rs2133340251, ClinGen allele CA375648838.
Genomic context (GRCh38, chr9:136,505,661, plus strand): 5'-AAGCTGTAGTCCAGGATGTGGCACAAGAGCCCGTTGAATTTGGCGGGGCACAGGCAACGG[T>C]AGAAGGGGCTCTCGGATGTGGGCTCACAGGTCCCCTGGTTGTAGCAGGGGTTGCCGCCCA-3'
Protein context (NP_060087.3, residues 1402-1422): TCEPTSESPF[Tyr1412Cys]RCLCPAKFNG

ClinVar aggregate classification (germline): Uncertain significance (1 of 4 stars; one submission).

Conditions:
Adams-Oliver syndrome 5 (AOS5). Identifiers: Orphanet 974, MedGen C4014970, MONDO:0014459, OMIM 616028.

Allele frequency attached by ClinVar (database versions not stated): gnomAD exomes below 0.00001.
gnomAD v4.1: 1 of 1,611,574 alleles (0.000062%); highest among the groups gnomAD compares: Non-Finnish European, 0.000085%; no homozygotes.

Submission:

Labcorp Genetics (formerly Invitae), Labcorp
Classification: Uncertain significance for Adams-Oliver syndrome 5. Last evaluated: 2024-03-04. Review status: criteria provided, single submitter. Criteria: Invitae Variant Classification Sherloc (09022015). Collection method: clinical testing. Allele origin: germline.
Comment: This sequence change replaces tyrosine, which is neutral and polar, with cysteine, which is neutral and slightly polar, at codon 1412 of the NOTCH1 protein (p.Tyr1412Cys). This variant is not present in population databases (gnomAD no frequency). This variant has not been reported in the literature in individuals affected with NOTCH1-related conditions. ClinVar contains an entry for this variant (Variation ID: 1524688). Advanced modeling of protein sequence and biophysical properties (such as structural, functional, and spatial information, amino acid conservation, physicochemical variation, residue mobility, and thermodynamic stability) performed at Invitae indicates that this missense variant is not expected to disrupt NOTCH1 protein function with a negative predictive value of 80%. In summary, the available evidence is currently insufficient to determine the role of this variant in disease. Therefore, it has been classified as a Variant of Uncertain Significance.